The following is an entry in ClinVar:

ClinVar aggregate classification (germline): Pathogenic/Likely pathogenic. Review status: criteria provided, multiple submitters, no conflicts (2 of 4 stars). 4 submissions from 4 submitters: Pathogenic (1); Likely pathogenic (2). 1 of the submissions does not count toward it. Last evaluated 2024-09-19.

Conditions:
BLM-related disorder. Also called: BLM-related condition.
Bloom syndrome (BLM). Also called: Bloom-Torre-Machacek syndrome. Identifiers: Orphanet 125, MedGen C0005859, MONDO:0008876, OMIM 210900.

Allele frequency attached by ClinVar (database versions not stated): gnomAD exomes below 0.00001.

Submissions (4):

Natera, Inc.
Classification: Likely pathogenic for Bloom syndrome. Last evaluated: 2024-09-19. Review status: criteria provided, single submitter. Criteria: Natera Variant Classification Schema (03/2026). Collection method: clinical testing. Allele origin: germline.
Comment: The c.1316del variant in BLM is a frameshift variant predicted to shift the reading frame beginning at codon 439 and leads to a stop codon 12 codons downstream. This variant is expected to result in nonsense mediated decay, truncation, or a dysfunctional protein product. This variant is rare in the general population with a frequency below the threshold expected for the associated phenotype(s). Given the available evidence, this variant is classified as Likely Pathogenic.

Labcorp Genetics (formerly Invitae), Labcorp
Classification: Pathogenic for Bloom syndrome. Last evaluated: 2022-07-10. Review status: criteria provided, single submitter. Criteria: Invitae Variant Classification Sherloc (09022015). Collection method: clinical testing. Allele origin: germline.
Comment: This variant has not been reported in the literature in individuals affected with BLM-related conditions. For these reasons, this variant has been classified as Pathogenic. Algorithms developed to predict the effect of sequence changes on RNA splicing suggest that this variant may create or strengthen a splice site. ClinVar contains an entry for this variant (Variation ID: 554680). This variant is not present in population databases (gnomAD no frequency). This sequence change creates a premature translational stop signal (p.Met439Argfs*12) in the BLM gene. It is expected to result in an absent or disrupted protein product. Loss-of-function variants in BLM are known to be pathogenic (PMID: 17407155).

Blueprint Genetics
Classification: Likely pathogenic for BLM-related disorders. Last evaluated: 2021-06-10. Review status: criteria provided, single submitter. Criteria: ACMG Guidelines, 2015. Collection method: clinical testing. Allele origin: germline. Affected: yes. Observed: 1 variant allele.

Counsyl
Classification: Likely pathogenic for Bloom syndrome. Last evaluated: 2017-10-31. Review status: no assertion criteria provided. Collection method: clinical testing. Allele origin: unknown. Not counted in ClinVar's aggregate classification.

Literature cited by the submitters: PubMed 17407155 (cited by Labcorp Genetics (formerly Invitae), Labcorp).

NM_000057.4(BLM):c.1316del (p.Met439fs)

Gene: BLM (BLM RecQ like helicase; plus strand). Cytogenetic location: 15q26.1.
Variant type: Deletion.
Coding change: c.1316del on transcript NM_000057.4 (MANE Select); coding-DNA position 1316, one base deleted (T; older notation c.1316delT).
Protein change: p.Met439fs; shifts the reading frame from methionine 439.
Molecular consequence: frameshift variant.
Genome position (GRCh38, 1-based): chr15:90,760,689, T deleted. VCF-style (leftmost placement, unchanged base first): chr15-90760688-AT-A. GRCh37 (hg19) VCF-style: chr15-91303918-AT-A.
Other names: c.1316del, p.Met439fs (NM_001287246.2, NM_001287247.2); c.191del, p.Met64fs (NM_001287248.2); c.1316del (LRG_20t1); short protein forms M439fs, M64fs.
Identifiers: ClinVar variation 554680 (VCV000554680.12), dbSNP rs1555419829, ClinGen allele CA658824611.
Genomic context (GRCh38, chr15:90,760,688, plus strand): 5'-AGTGATGCCAGTCTTCTTGGCTCATTGTGGAGATACAGGCCTGATTCACTTGATGGCCCT[AT>A]GGAGGGTGATTCCTGCCCTACAGGGAATTCTATGAAGGAGTTAAATTTTTCACACCTTCC-3'